The following is an entry in ClinVar:

ClinVar aggregate classification (germline): Likely benign. Review status: criteria provided, single submitter (1 of 4 stars). 2 submissions from 2 submitters: Likely benign (1). 1 of the submissions does not count toward it. Last evaluated 2023-09-15.

Conditions:
GTPBP3-related disorder. Also called: GTPBP3-related condition.

Allele frequency attached by ClinVar (database versions not stated): gnomAD 0.00001; ExAC 0.00002; gnomAD exomes 0.00003; TOPMed 0.00003; ESP Exome Variant Server 0.00008.
gnomAD v4.1: 50 of 1,613,512 alleles (0.0031%); highest among the groups gnomAD compares: Non-Finnish European, 0.0038%; no homozygotes.

Submissions (2):

Labcorp Genetics (formerly Invitae), Labcorp
Classification: Likely benign. Last evaluated: 2023-09-15. Review status: criteria provided, single submitter. Criteria: Invitae Variant Classification Sherloc (09022015). Collection method: clinical testing. Allele origin: germline.

PreventionGenetics, part of Exact Sciences
Classification: Likely benign for GTPBP3-related condition. Last evaluated: 2019-03-25. Review status: no assertion criteria provided. Collection method: clinical testing. Allele origin: germline. Not counted in ClinVar's aggregate classification.
Comment: This variant is classified as likely benign based on ACMG/AMP sequence variant interpretation guidelines (Richards et al. 2015 PMID: 25741868, with internal and published modifications).

NM_032620.4(GTPBP3):c.738C>T (p.Leu246=)

Gene: GTPBP3 (GTP binding protein 3, mitochondrial; plus strand). Cytogenetic location: 19p13.11.
Variant type: single nucleotide variant.
Coding change: c.738C>T on transcript NM_032620.4 (MANE Select); coding-DNA position 738, C replaced by T.
Protein change: p.Leu246=; no amino-acid change (leucine 246 retained).
Molecular consequence: synonymous variant.
Genome position (GRCh38, 1-based): chr19:17,339,196, C>T. VCF-style: chr19-17339196-C-T. GRCh37 (hg19) VCF-style: chr19-17450005-C-T.
Other names: c.834C>T (NM_133644.3); c.738C>T, p.Leu246= (NM_001128855.3); c.804C>T, p.Leu268= (NM_001195422.1); c.834C>T, p.Leu278= (NM_133644.4).
Identifiers: ClinVar variation 2723773 (VCV002723773.5), dbSNP rs377346963, ClinGen allele CA9293478.
Genomic context (GRCh38, chr19:17,339,196, plus strand): 5'-ACGGGCACTGCAGGTGGCCCTGGGTGCACATCTACGAGATGCCAGGCGCGGGCAGAGGCT[C>T]CGCTCAGGGGTGCACGTAGTGGTCACTGGACCCCCCAATGCGGGCAAGAGCAGCCTAGTG-3'
Protein context (NP_116009.2, residues 236-256): HLRDARRGQR[Leu246=]RSGVHVVVTG